The following is an entry in ClinVar:

ClinVar aggregate classification (germline): Pathogenic (1 of 4 stars; one submission).

Conditions:
Anemia, nonspherocytic hemolytic, due to G6PD deficiency (CNSHA1). Also called: Hemolytic anemia due to G6PD deficiency; Class I glucose-6-phosphate dehydrogenase deficiency; Favism, susceptibility to; ANEMIA, CONGENITAL, NONSPHEROCYTIC HEMOLYTIC, 1. Identifiers: Orphanet 466026, MedGen C2720289, MONDO:0010480, OMIM 300908.

Allele frequency attached by ClinVar (database versions not stated): TOPMed below 0.00001.

Submission:

Dunham Lab, University of Washington
Classification: Pathogenic for Anemia, nonspherocytic hemolytic, due to G6PD deficiency. Last evaluated: 2022-08-12. Review status: criteria provided, single submitter. Criteria: Bayesian ACMG Guidelines, 2018. Collection method: curation. Allele origin: unknown.
Comment: Frameshift that introduces stop codon at residue 428 (PVS1). Not found in gnomAD (PM2). Post_P 0.994 (odds of pathogenicity 1516, Prior_P 0.1).

NM_001360016.2(G6PD):c.1283dup (p.Tyr428Ter)

Gene: G6PD (glucose-6-phosphate dehydrogenase; minus strand). Cytogenetic location: Xq28.
Variant type: Duplication.
Coding change: c.1283dup on transcript NM_001360016.2 (MANE Select); coding-DNA position 1283, one base duplicated (A; older notation c.1283dupA).
Protein change: p.Tyr428Ter; replaces tyrosine 428 with a stop codon.
Molecular consequence: nonsense.
Genome position (GRCh38, 1-based): chrX:154,532,571, T duplicated on the plus strand (A on the coding strand, the reverse complement: G6PD is on the minus strand). VCF-style (leftmost placement, unchanged base first): chrX-154532570-G-GT. GRCh37 (hg19) VCF-style: chrX-153760785-G-GT.
Other names: c.1373dup, p.Tyr458Ter (NM_000402.4); c.1283dup, p.Tyr428Ter (NM_001042351.3); short protein forms Y428*, Y458*.
Identifiers: ClinVar variation 1722648 (VCV001722648.2), dbSNP rs2070352108, ClinGen allele CA2466723413.